The following is an entry in ClinVar:

ClinVar aggregate classification (germline): Uncertain significance (1 of 4 stars; one submission).

Allele frequency attached by ClinVar (database versions not stated): TOPMed below 0.00001.

Submission:

Labcorp Genetics (formerly Invitae), Labcorp
Classification: Uncertain significance. Last evaluated: 2021-11-04. Review status: criteria provided, single submitter. Criteria: Invitae Variant Classification Sherloc (09022015). Collection method: clinical testing. Allele origin: germline.
Comment: In summary, the available evidence is currently insufficient to determine the role of this variant in disease. Therefore, it has been classified as a Variant of Uncertain Significance. Algorithms developed to predict the effect of missense changes on protein structure and function (SIFT, PolyPhen-2, Align-GVGD) all suggest that this variant is likely to be tolerated. ClinVar contains an entry for this variant (Variation ID: 1011816). This variant has not been reported in the literature in individuals affected with TRPC6-related conditions. This variant is not present in population databases (gnomAD no frequency). This sequence change replaces proline, which is neutral and non-polar, with arginine, which is basic and polar, at codon 835 of the TRPC6 protein (p.Pro835Arg).

NM_004621.6(TRPC6):c.2504C>G (p.Pro835Arg)

Gene: TRPC6 (transient receptor potential cation channel subfamily C member 6; minus strand). Cytogenetic location: 11q22.1.
Variant type: single nucleotide variant.
Coding change: c.2504C>G on transcript NM_004621.6 (MANE Select); coding-DNA position 2504, C replaced by G.
Protein change: p.Pro835Arg; replaces proline 835 with arginine.
Molecular consequence: missense variant.
Genome position (GRCh38, 1-based): chr11:101,455,082, G>C on the plus strand (C>G on the coding strand, the complement: TRPC6 is on the minus strand). VCF-style: chr11-101455082-G-C. GRCh37 (hg19) VCF-style: chr11-101325813-G-C.
Other names: short protein forms P835R.
Identifiers: ClinVar variation 1011816 (VCV001011816.6), dbSNP rs202091355, ClinGen allele CA382487440.